The following is an entry in ClinVar:

ClinVar aggregate classification (germline): Benign/Likely benign. Review status: criteria provided, multiple submitters, no conflicts (2 of 4 stars). 9 submissions from 7 submitters: Benign (1); Likely benign (8). Last evaluated 2025-09-03.

Conditions:
Autoinflammatory syndrome. Identifiers: Orphanet 93665, MedGen C3890737, MONDO:0019751.
Chronic infantile neurological, cutaneous and articular syndrome (CINCA). Also called: CHRONIC NEUROLOGIC CUTANEOUS AND ARTICULAR SYNDROME; CRYOPYRIN-ASSOCIATED PERIODIC SYNDROME 3; CINCA syndrome; Prieur Griscelli syndrome. Identifiers: Orphanet 1451, MedGen C0409818, MONDO:0011776, OMIM 607115.
Familial amyloid nephropathy with urticaria AND deafness (MWS). Also called: Urticaria, deafness and amyloidosis; CRYOPYRIN-ASSOCIATED PERIODIC SYNDROME 2; UDA SYNDROME; URTICARIA-DEAFNESS-AMYLOIDOSIS SYNDROME; MUCKLE-WELLS SYNDROME. Identifiers: Orphanet 575, MedGen C0268390, MONDO:0008633, OMIM 191900.
Familial cold autoinflammatory syndrome 1 (FCAS1). Also called: CRYOPYRIN-ASSOCIATED PERIODIC SYNDROME 1; Familial cold inflammatory syndrome 1. Identifiers: Orphanet 47045, MedGen C4551895, MONDO:0007349, OMIM 120100.
Cryopyrin associated periodic syndrome (CAPS). Identifiers: Orphanet 208650, MedGen C2316212, MONDO:0016168.

Allele frequency attached by ClinVar (database versions not stated): gnomAD exomes 0.00007 and 0.00015; ExAC 0.00019; gnomAD 0.00032 and 0.00038; TOPMed 0.00041; ESP Exome Variant Server 0.00077.
gnomAD v4.1: 154 of 1,569,018 alleles (0.0098%); highest among the groups gnomAD compares: African/African-American, 0.12%; no homozygotes.

Submissions (9):

Labcorp Genetics (formerly Invitae), Labcorp
Classification: Benign for Cryopyrin associated periodic syndrome. Last evaluated: 2025-09-03. Review status: criteria provided, single submitter. Criteria: Invitae Variant Classification Sherloc (09022015). Collection method: clinical testing. Allele origin: germline.

Blueprint Genetics
Classification: Likely benign. Last evaluated: 2024-04-17. Review status: criteria provided, single submitter. Criteria: ACMG Guidelines, 2015. Collection method: clinical testing. Allele origin: germline.

GeneDx
Classification: Likely benign. Last evaluated: 2021-03-05. Review status: criteria provided, single submitter. Criteria: GeneDx Variant Classification Process June 2021. Collection method: clinical testing. Allele origin: germline. Affected: yes.

Genome Diagnostics Laboratory, The Hospital for Sick Children
Classification: Likely benign for Autoinflammatory syndrome. Last evaluated: 2021-01-16. Review status: criteria provided, single submitter. Criteria: ACMG Guidelines, 2015. Collection method: clinical testing. Allele origin: germline. Affected: yes.

Laboratory for Molecular Medicine, Mass General Brigham Personalized Medicine
Classification: Likely benign. Last evaluated: 2017-08-23. Review status: criteria provided, single submitter. Criteria: LMM Criteria. Collection method: clinical testing. Allele origin: germline. Observed: 1 variant allele.
Comment: p.Leu551Leu in exon 5 of NLRP3: This variant is not expected to have clinical si gnificance because it does not alter an amino acid residue and is not located wi thin the splice consensus sequence. It has been identified in 0.16% (17/10362) o f African chromosomes by the Exome Aggregation Consortium (ExAC; dbSNP rs144469697).

Illumina Laboratory Services, Illumina
Classification: Likely benign for Familial amyloid nephropathy with urticaria AND deafness. Last evaluated: 2017-04-27. Review status: criteria provided, single submitter. Criteria: ICSL Variant Classification Criteria 13 December 2019. Collection method: clinical testing. Allele origin: germline.
Comment: This variant was observed as part of a predisposition screen in an ostensibly healthy population. A literature search was performed for the gene, cDNA change, and amino acid change (where applicable). No publications were found based on this search. Allele frequency data from public databases allowed determination this variant is unlikely to cause disease. Therefore, this variant is classified as likely benign.

Illumina Laboratory Services, Illumina
Classification: Likely benign for Chronic infantile neurological, cutaneous and articular syndrome. Last evaluated: 2017-04-27. Review status: criteria provided, single submitter. Criteria: ICSL Variant Classification Criteria 13 December 2019. Collection method: clinical testing. Allele origin: germline.
Comment: the same text as in the submission from Illumina Laboratory Services, Illumina above.

Illumina Laboratory Services, Illumina
Classification: Likely benign for Familial cold autoinflammatory syndrome 1. Last evaluated: 2017-04-27. Review status: criteria provided, single submitter. Criteria: ICSL Variant Classification Criteria 13 December 2019. Collection method: clinical testing. Allele origin: germline.
Comment: the same text as in the submission from Illumina Laboratory Services, Illumina above.

Breakthrough Genomics
Classification: Likely benign. Review status: criteria provided, single submitter. Criteria: ACMG Guidelines, 2015. Collection method: not provided. Allele origin: germline. Inheritance: Autosomal dominant inheritance. Affected: yes.

NM_001243133.2(NLRP3):c.1645T>C (p.Leu549=)

Gene: NLRP3 (NLR family pyrin domain containing 3; plus strand). Cytogenetic location: 1q44.
Variant type: single nucleotide variant.
Coding change: c.1645T>C on transcript NM_001243133.2 (MANE Select); coding-DNA position 1645, T replaced by C.
Protein change: p.Leu549=; no amino-acid change (leucine 549 retained).
Molecular consequence: synonymous variant.
Genome position (GRCh38, 1-based): chr1:247,425,094, T>C. VCF-style: chr1-247425094-T-C. GRCh37 (hg19) VCF-style: chr1-247588396-T-C.
Other names: c.1645T>C, p.Leu549= (NM_001079821.3, NM_001127461.3, NM_001127462.3 and 1 more transcripts); c.1651T>C, p.Leu551= (NM_004895.5).
Identifiers: ClinVar variation 296948 (VCV000296948.26), dbSNP rs144469697, ClinGen allele CA1495051.